The following is an entry in ClinVar:

NM_001352754.2(ARMC9):c.2411C>T (p.Ala804Val)

Gene: ARMC9 (armadillo repeat containing 9; plus strand). Cytogenetic location: 2q37.1.
Variant type: single nucleotide variant.
Coding change: c.2411C>T on transcript NM_001352754.2 (MANE Select); coding-DNA position 2411, C replaced by T.
Protein change: p.Ala804Val; replaces alanine 804 with valine.
Molecular consequence: missense variant.
Genome position (GRCh38, 1-based): chr2:231,370,102, C>T. VCF-style: chr2-231370102-C-T. GRCh37 (hg19) VCF-style: chr2-232234813-C-T.
Other names: c.2411C>T, p.Ala804Val (NM_001271466.4); short protein forms A804V.
Identifiers: ClinVar variation 1021466 (VCV001021466.8), dbSNP rs1477308302, ClinGen allele CA350959559.

ClinVar aggregate classification (germline): Uncertain significance. Review status: criteria provided, multiple submitters, no conflicts (2 of 4 stars). 2 submissions from 2 submitters: Uncertain significance (2). Last evaluated 2022-06-14.

Conditions:
Joubert syndrome 30. Identifiers: MedGen C4539937, MONDO:0033308, OMIM 617622.

Allele frequency attached by ClinVar (database versions not stated): gnomAD 0.00001; gnomAD exomes 0.00001 and 0.00002; TOPMed 0.00002.
gnomAD v4.1: 10 of 1,532,540 alleles (0.00065%); highest among the groups gnomAD compares: Middle Eastern, 0.017%; no homozygotes.

Submissions (2):

Labcorp Genetics (formerly Invitae), Labcorp
Classification: Uncertain significance. Last evaluated: 2022-06-14. Review status: criteria provided, single submitter. Criteria: Invitae Variant Classification Sherloc (09022015). Collection method: clinical testing. Allele origin: germline.
Comment: This sequence change replaces alanine, which is neutral and non-polar, with valine, which is neutral and non-polar, at codon 804 of the ARMC9 protein (p.Ala804Val). This variant is present in population databases (no rsID available, gnomAD 0.004%). This variant has not been reported in the literature in individuals affected with ARMC9-related conditions. ClinVar contains an entry for this variant (Variation ID: 1021466). Experimental studies and prediction algorithms are not available or were not evaluated, and the functional significance of this variant is currently unknown. In summary, the available evidence is currently insufficient to determine the role of this variant in disease. Therefore, it has been classified as a Variant of Uncertain Significance.

Victorian Clinical Genetics Services, Murdoch Childrens Research Institute
Classification: Uncertain significance for Joubert syndrome 30. Last evaluated: 2019-08-28. Review status: criteria provided, single submitter. Criteria: ACMG Guidelines, 2015. Collection method: clinical testing. Allele origin: germline. Inheritance: Autosomal recessive inheritance.
Comment: A heterozygous missense variant, NM_001271466.3(ARMC9):c.2411C>T, has been identified in exon 24 of 25 of the ARMC9 gene. The variant is predicted to result in a minor amino acid change from alanine to valine at position 804 of the protein (NP_001258395.1(ARMC9):p.(Ala804Val)). The alanine residue at this position has low conservation (100 vertebrates, UCSC), but is not located within a well established functional domain. In silico predictions of pathogenicity for this variant are conflicting (Polyphen, SIFT, CADD, Mutation Taster). The variant is present in the gnomAD database at a frequency of 0.002% (3 heterozygotes, 0 homozygotes) but has not been previously reported in clinical cases. Based on the information available at the time of curation, this variant has been classified as a VARIANT of UNCERTAIN SIGNIFICANCE (VUS) with LOW CLINICAL RELEVANCE.